The following is an entry in ClinVar:

NM_000548.5(TSC2):c.1444-16C>T

Gene: TSC2 (TSC complex subunit 2; plus strand). Cytogenetic location: 16p13.3.
Variant type: single nucleotide variant.
Coding change: c.1444-16C>T on transcript NM_000548.5 (MANE Select); 16 bases into the intron before coding-DNA position 1444, C replaced by T.
Molecular consequence: intron variant.
Genome position (GRCh38, 1-based): chr16:2,064,256, C>T. VCF-style: chr16-2064256-C-T. GRCh37 (hg19) VCF-style: chr16-2114257-C-T.
Other names: c.1444-16C>T (NM_021055.3, NM_001370405.1, NM_001363528.2 and 6 more transcripts); c.100-16C>T (NM_001406694.1, NM_001406695.1, NM_001406696.1 and 6 more transcripts); c.1432-16C>T (NM_001406671.1, NM_001406673.1); c.982-16C>T (NM_001406681.1); c.1333-16C>T (NM_001406670.1, NM_001318827.2, NM_001406678.1); c.844-16C>T (NM_001406682.1, NM_001406684.1, NM_001406685.1 and 6 more transcripts); c.1387-16C>T (NM_001406677.1); c.1297-16C>T (NM_001406675.1, NM_001406676.1, NM_001318829.2 and 1 more transcripts); and 3 more.
Identifiers: ClinVar variation 4071133 (VCV004071133.1).

ClinVar aggregate classification (germline): Likely benign (1 of 4 stars; one submission).

Conditions:
Tuberous sclerosis 2 (TSC2). Identifiers: Orphanet 805, MedGen C1860707, MONDO:0013199, OMIM 613254.

gnomAD v4.1: 1 of 1,613,864 alleles (0.000062%); highest among the groups gnomAD compares: Admixed American, 0.0017%; no homozygotes.

Submission:

Myriad Genetics, Inc.
Classification: Likely benign for Tuberous sclerosis 2. Last evaluated: 2025-05-14. Review status: criteria provided, single submitter. Criteria: Myriad Autosomal Dominant, Autosomal Recessive and X-Linked Classification Criteria (2023). Collection method: clinical testing. Allele origin: unknown.
Comment: This variant is considered likely benign. This variant is intronic and is not expected to impact mRNA splicing.